The following is an entry in ClinVar:

NM_025176.6(NINL):c.3737A>G (p.Gln1246Arg)

Gene: NINL (ninein like; minus strand). Cytogenetic location: 20p11.21.
Variant type: single nucleotide variant.
Coding change: c.3737A>G on transcript NM_025176.6 (MANE Select); coding-DNA position 3737, A replaced by G.
Protein change: p.Gln1246Arg; replaces glutamine 1246 with arginine.
Molecular consequence: missense variant.
Genome position (GRCh38, 1-based): chr20:25,458,489, T>C on the plus strand (A>G on the coding strand, the complement: NINL is on the minus strand). VCF-style: chr20-25458489-T-C. GRCh37 (hg19) VCF-style: chr20-25439125-T-C.
Other names: c.2690A>G, p.Gln897Arg (NM_001318226.2); short protein forms Q1246R, Q897R.
Identifiers: ClinVar variation 3035719 (VCV003035719.2), dbSNP rs116267316, ClinGen allele CA9796807.

ClinVar aggregate classification (germline): Likely benign (0 of 4 stars; one submission).

Conditions:
NINL-related disorder. Also called: NINL-related condition.

Allele frequency attached by ClinVar (database versions not stated): gnomAD exomes 0.00043; ExAC 0.00074; 1000 Genomes Project 0.00100; 1000 Genomes Project 30x 0.00109; gnomAD 0.00168; TOPMed 0.00209; ESP Exome Variant Server 0.00216.
gnomAD v4.1: 894 of 1,601,276 alleles (0.056%); highest among the groups gnomAD compares: African/African-American, 0.57%; 2 homozygotes.

Submission:

PreventionGenetics, part of Exact Sciences
Classification: Likely benign for NINL-related condition. Last evaluated: 2022-07-28. Review status: no assertion criteria provided. Collection method: clinical testing. Allele origin: germline.
Comment: This variant is classified as likely benign based on ACMG/AMP sequence variant interpretation guidelines (Richards et al. 2015 PMID: 25741868, with internal and published modifications).